The following is an entry in ClinVar:

NM_152703.5(SAMD9L):c.4170G>A (p.Leu1390=)

Gene: SAMD9L (sterile alpha motif domain containing 9 like; minus strand). Cytogenetic location: 7q21.2.
Variant type: single nucleotide variant.
Coding change: c.4170G>A on transcript NM_152703.5 (MANE Select); coding-DNA position 4170, G replaced by A.
Protein change: p.Leu1390=; no amino-acid change (leucine 1390 retained).
Molecular consequence: synonymous variant.
Genome position (GRCh38, 1-based): chr7:93,131,802, C>T on the plus strand (G>A on the coding strand, the complement: SAMD9L is on the minus strand). VCF-style: chr7-93131802-C-T. GRCh37 (hg19) VCF-style: chr7-92761115-C-T.
Other names: p.Leu1390=; c.4170G>A (NM_152703.2, NM_152703.3); c.4170G>A, p.Leu1390= (NM_001303496.3, NM_001303497.3, NM_001303498.3 and 5 more transcripts).
Identifiers: ClinVar variation 721632 (VCV000721632.40), dbSNP rs143928644, ClinGen allele CA4343350.

ClinVar aggregate classification (germline): Benign/Likely benign. Review status: criteria provided, multiple submitters, no conflicts (2 of 4 stars). 7 submissions from 7 submitters: Benign (2); Likely benign (4). 1 of the submissions does not count toward it. Last evaluated 2026-01-14.

Conditions:
Inborn genetic diseases. Identifiers: MedGen C0950123, MeSH D030342.
SAMD9L-related disorder. Also called: SAMD9L-related disorders; SAMD9L-related condition.

Allele frequency attached by ClinVar (database versions not stated): 1000 Genomes Project 30x 0.00031; 1000 Genomes Project 0.00040; ESP Exome Variant Server 0.00046; TOPMed 0.00071; gnomAD exomes 0.00106 and 0.00107; ExAC 0.00113; gnomAD 0.00138 and 0.00145.

Submissions (7):

Labcorp Genetics (formerly Invitae), Labcorp
Classification: Benign. Last evaluated: 2026-01-14. Review status: criteria provided, single submitter. Criteria: Invitae Variant Classification Sherloc (09022015). Collection method: clinical testing. Allele origin: germline.

Mayo Clinic Laboratories, Mayo Clinic
Classification: Likely benign. Last evaluated: 2025-12-11. Review status: criteria provided, single submitter. Criteria: ACMG Guidelines, 2015. Collection method: clinical testing. Allele origin: germline. Observed: 5 variant alleles.
Comment: BP4, BP7, PM2_supporting

CeGaT Center for Human Genetics Tuebingen
Classification: Likely benign. Last evaluated: 2025-12-01. Review status: criteria provided, single submitter. Criteria: CeGaT Center For Human Genetics Tuebingen Variant Classification Criteria Version 2. Collection method: clinical testing. Allele origin: germline. Affected: yes. Observed: 2 variant alleles.
Comment: SAMD9L: BP4, BP7, BS1

Blueprint Genetics
Classification: Likely benign. Last evaluated: 2024-11-25. Review status: criteria provided, single submitter. Criteria: ACMG Guidelines, 2015. Collection method: clinical testing. Allele origin: germline.

Ambry Genetics
Classification: Likely benign for Inborn genetic diseases. Last evaluated: 2024-10-02. Review status: criteria provided, single submitter. Criteria: Ambry Variant Classification Scheme 2023. Collection method: clinical testing. Allele origin: germline.

Genetic Services Laboratory, University of Chicago
Classification: Benign. Last evaluated: 2020-02-27. Review status: criteria provided, single submitter. Criteria: ACMG Guidelines, 2015. Collection method: clinical testing. Allele origin: germline. Affected: no.

PreventionGenetics, part of Exact Sciences
Classification: Benign for SAMD9L-related condition. Last evaluated: 2020-08-11. Review status: no assertion criteria provided. Collection method: clinical testing. Allele origin: germline. Not counted in ClinVar's aggregate classification.
Comment: This variant is classified as benign based on ACMG/AMP sequence variant interpretation guidelines (Richards et al. 2015 PMID: 25741868, with internal and published modifications).